The following is an entry in ClinVar:

NM_024422.6(DSC2):c.1219G>T (p.Val407Leu)

Gene: DSC2 (desmocollin 2; minus strand). Cytogenetic location: 18q12.1.
Variant type: single nucleotide variant.
Coding change: c.1219G>T on transcript NM_024422.6 (MANE Select); coding-DNA position 1219, G replaced by T.
Protein change: p.Val407Leu; replaces valine 407 with leucine.
Molecular consequence: missense variant.
Genome position (GRCh38, 1-based): chr18:31,082,282, C>A on the plus strand (G>T on the coding strand, the complement: DSC2 is on the minus strand). VCF-style: chr18-31082282-C-A. GRCh37 (hg19) VCF-style: chr18-28662248-C-A.
Other names: c.1219G>T, p.Val407Leu (NM_004949.5); short protein forms V407L.
Identifiers: ClinVar variation 222558 (VCV000222558.3), dbSNP rs751861273, ClinGen allele CA030326.

ClinVar aggregate classification (germline): Uncertain significance. Review status: criteria provided, multiple submitters, no conflicts (2 of 4 stars). 2 submissions from 2 submitters: Uncertain significance (2). Last evaluated 2023-11-20.

Conditions:
Familial isolated arrhythmogenic right ventricular dysplasia. Identifiers: Orphanet 217656, MedGen C4274968, MONDO:0016342.

Allele frequency attached by ClinVar (database versions not stated): ExAC 0.00002; gnomAD exomes 0.00002.

Submissions (2):

All of Us Research Program, National Institutes of Health
Classification: Uncertain significance for Familial isolated arrhythmogenic right ventricular dysplasia. Last evaluated: 2023-11-20. Review status: criteria provided, single submitter. Criteria: ACMG Guidelines, 2015. Collection method: clinical testing. Allele origin: germline. Inheritance: Autosomal dominant inheritance. Observed: 1 variant allele, 1 heterozygote.
Comment: This missense variant replaces valine with leucine at codon 407 of the DSC2 protein. Computational prediction suggests that this variant may not impact protein structure and function (internally defined REVEL score threshold <= 0.5, PMID: 27666373). To our knowledge, functional studies have not been reported for this variant. This variant has not been reported in individuals affected with DSC2-related disorders in the literature. This variant has been identified in 4/250956 chromosomes in the general population by the Genome Aggregation Database (gnomAD). The available evidence is insufficient to determine the role of this variant in disease conclusively. Therefore, this variant is classified as a Variant of Uncertain Significance.

This study involves interpretation of variants in research participants for the purpose of population health screening. Participant phenotype was not available at the time of variant classification. Additional details can be found in publication PMID: 35346344, PMCID: PMC8962531

Blueprint Genetics
Classification: Uncertain significance. Last evaluated: 2021-08-25. Review status: criteria provided, single submitter. Criteria: ACMG Guidelines, 2015. Collection method: clinical testing. Allele origin: germline.